The following is an entry in ClinVar:

ClinVar aggregate classification (germline): Uncertain significance (1 of 4 stars; one submission).

Conditions:
Dyskeratosis congenita. Identifiers: Orphanet 1775, MedGen C0265965, MONDO:0015780.

Submission:

Ambry Genetics
Classification: Uncertain significance for Dyskeratosis congenita. Last evaluated: 2023-07-23. Review status: criteria provided, single submitter. Criteria: Ambry Variant Classification Scheme 2023. Collection method: clinical testing. Allele origin: germline.
Comment: The p.L13V variant (also known as c.37C>G), located in coding exon 1 of the TERT gene, results from a C to G substitution at nucleotide position 37. The leucine at codon 13 is replaced by valine, an amino acid with highly similar properties. This amino acid position is conserved. In addition, this alteration is predicted to be tolerated by in silico analysis. Since supporting evidence is limited at this time, the clinical significance of this alteration remains unclear.

NM_198253.3(TERT):c.37C>G (p.Leu13Val)

Genes: TERT (telomerase reverse transcriptase; minus strand), LOC110806263 (TERT 5' regulatory region; plus strand). Cytogenetic location: 5p15.33.
Variant type: single nucleotide variant.
Coding change: c.37C>G on transcript NM_198253.3 (MANE Select); coding-DNA position 37, C replaced by G.
Protein change: p.Leu13Val; replaces leucine 13 with valine.
Molecular consequence: missense variant. On other transcripts: non-coding transcript variant (2).
Genome position (GRCh38, 1-based): chr5:1,294,953, G>C on the plus strand (C>G on the coding strand, the complement: TERT is on the minus strand). VCF-style: chr5-1294953-G-C. GRCh37 (hg19) VCF-style: chr5-1295068-G-C.
Other names: c.37C>G, p.Leu13Val (NM_001193376.3, NM_003219.1); short protein forms L13V.
Identifiers: ClinVar variation 3238458 (VCV003238458.1), dbSNP rs2126692825.